The following is an entry in ClinVar:

ClinVar aggregate classification (germline): Uncertain significance. Review status: criteria provided, multiple submitters, no conflicts (2 of 4 stars). 2 submissions from 2 submitters: Uncertain significance (2). Last evaluated 2025-03-30.

Conditions:
Hyperphosphatasia with intellectual disability syndrome 5 (GPIBD11). Also called: GLYCOSYLPHOSPHATIDYLINOSITOL BIOSYNTHESIS DEFECT 11. Identifiers: Orphanet 247262, MedGen C4014958, MONDO:0014457, OMIM 616025.

gnomAD v4.1: 35 of 1,613,952 alleles (0.0022%); highest among the groups gnomAD compares: Admixed American, 0.015%; no homozygotes.

Submissions (2):

Labcorp Genetics (formerly Invitae), Labcorp
Classification: Uncertain significance for Hyperphosphatasia with intellectual disability syndrome 5. Last evaluated: 2025-03-30. Review status: criteria provided, single submitter. Criteria: Invitae Variant Classification Sherloc (09022015). Collection method: clinical testing. Allele origin: germline.
Comment: This sequence change replaces cysteine, which is neutral and slightly polar, with tryptophan, which is neutral and slightly polar, at codon 409 of the PIGW protein (p.Cys409Trp). This variant is present in population databases (rs777685689, gnomAD 0.003%). This variant has not been reported in the literature in individuals affected with PIGW-related conditions. An algorithm developed to predict the effect of missense changes on protein structure and function (PolyPhen-2) suggests that this variant is likely to be disruptive. In summary, the available evidence is currently insufficient to determine the role of this variant in disease. Therefore, it has been classified as a Variant of Uncertain Significance.

Blueprint Genetics
Classification: Uncertain significance. Last evaluated: 2024-09-03. Review status: criteria provided, single submitter. Criteria: ACMG Guidelines, 2015. Collection method: clinical testing. Allele origin: germline.

NM_001346754.2(PIGW):c.1227T>G (p.Cys409Trp)

Genes: MYO19 (myosin XIX; minus strand), PIGW (phosphatidylinositol glycan anchor biosynthesis class W; plus strand). Cytogenetic location: 17q12.
Variant type: single nucleotide variant.
Coding change: c.1227T>G on transcript NM_001346754.2 (MANE Select); coding-DNA position 1227, T replaced by G.
Protein change: p.Cys409Trp; replaces cysteine 409 with tryptophan.
Molecular consequence: missense variant.
Genome position (GRCh38, 1-based): chr17:36,538,328, T>G. VCF-style: chr17-36538328-T-G. GRCh37 (hg19) VCF-style: chr17-34894177-T-G.
Other names: c.1227T>G, p.Cys409Trp (NM_001346755.2, NM_178517.5); short protein forms C409W.
Identifiers: ClinVar variation 4745021 (VCV004745021.2).